The following is an entry in ClinVar:

NM_004655.4(AXIN2):c.1095G>A (p.Val365=)

Gene: AXIN2 (axin 2; minus strand). Cytogenetic location: 17q24.1.
Variant type: single nucleotide variant.
Coding change: c.1095G>A on transcript NM_004655.4 (MANE Select); coding-DNA position 1095, G replaced by A.
Protein change: p.Val365=; no amino-acid change (valine 365 retained).
Molecular consequence: synonymous variant.
Genome position (GRCh38, 1-based): chr17:65,538,308, C>T on the plus strand (G>A on the coding strand, the complement: AXIN2 is on the minus strand). VCF-style: chr17-65538308-C-T. GRCh37 (hg19) VCF-style: chr17-63534426-C-T.
Other names: c.1095G>A (LRG_296t1); c.1095G>A, p.Val365= (NM_001363813.1).
Identifiers: ClinVar variation 533252 (VCV000533252.34), dbSNP rs754059595, ClinGen allele CA8718860.

ClinVar aggregate classification (germline): Benign/Likely benign. Review status: criteria provided, multiple submitters, no conflicts (2 of 4 stars). 4 submissions from 4 submitters: Benign (1); Likely benign (3). Last evaluated 2024-10-13.

Conditions:
Hereditary cancer-predisposing syndrome. Also called: Hereditary Cancer Syndrome; Tumor predisposition; Neoplastic Syndromes, Hereditary; Hereditary neoplastic syndrome. Identifiers: Orphanet 140162, MedGen C0027672, MeSH D009386, MONDO:0015356.
Oligodontia-cancer predisposition syndrome. Also called: TOOTH AGENESIS-COLORECTAL CANCER SYNDROME. Identifiers: Orphanet 300576, MedGen C1837750, MONDO:0012075, OMIM 608615. Disease mechanism: loss of function.

Allele frequency attached by ClinVar (database versions not stated): gnomAD exomes below 0.00001 and 0.00001; TOPMed below 0.00001; ExAC 0.00001.
gnomAD v4.1: 4 of 1,614,178 alleles (0.00025%); highest among the groups gnomAD compares: Non-Finnish European, 0.00034%; no homozygotes.

Submissions (4):

Labcorp Genetics (formerly Invitae), Labcorp
Classification: Likely benign for Oligodontia-cancer predisposition syndrome. Last evaluated: 2024-10-13. Review status: criteria provided, single submitter. Criteria: Invitae Variant Classification Sherloc (09022015). Collection method: clinical testing. Allele origin: germline.

Myriad Genetics, Inc.
Classification: Benign for Oligodontia-cancer predisposition syndrome. Last evaluated: 2024-07-01. Review status: criteria provided, single submitter. Criteria: Myriad Autosomal Dominant, Autosomal Recessive and X-Linked Classification Criteria (2023). Collection method: clinical testing. Allele origin: unknown.
Comment: This variant is considered benign. This variant is a silent/synonymous amino acid change and it is not expected to impact splicing.

CeGaT Center for Human Genetics Tuebingen
Classification: Likely benign. Last evaluated: 2024-02-01. Review status: criteria provided, single submitter. Criteria: CeGaT Center For Human Genetics Tuebingen Variant Classification Criteria Version 2. Collection method: clinical testing. Allele origin: germline. Affected: yes. Observed: 1 variant allele.
Comment: AXIN2: BP4, BP7

Ambry Genetics
Classification: Likely benign for Hereditary cancer-predisposing syndrome. Last evaluated: 2023-03-25. Review status: criteria provided, single submitter. Criteria: Ambry Variant Classification Scheme 2023. Collection method: clinical testing. Allele origin: germline.